The following is an entry in ClinVar:

ClinVar aggregate classification (germline): Uncertain significance (1 of 4 stars; one submission).

gnomAD v4.1: 6 of 1,586,122 alleles (0.00038%); highest among the groups gnomAD compares: South Asian, 0.0011%; no homozygotes.

Submission:

Labcorp Genetics (formerly Invitae), Labcorp
Classification: Uncertain significance. Last evaluated: 2025-05-03. Review status: criteria provided, single submitter. Criteria: Invitae Variant Classification Sherloc (09022015). Collection method: clinical testing. Allele origin: germline.
Comment: This sequence change replaces proline, which is neutral and non-polar, with leucine, which is neutral and non-polar, at codon 23 of the MTMR14 protein (p.Pro23Leu). This variant is not present in population databases (gnomAD no frequency). This variant has not been reported in the literature in individuals affected with MTMR14-related conditions. Invitae Evidence Modeling of protein sequence and biophysical properties (such as structural, functional, and spatial information, amino acid conservation, physicochemical variation, residue mobility, and thermodynamic stability) indicates that this missense variant is not expected to disrupt MTMR14 protein function with a negative predictive value of 80%. In summary, the available evidence is currently insufficient to determine the role of this variant in disease. Therefore, it has been classified as a Variant of Uncertain Significance.

NM_001077525.3(MTMR14):c.68C>T (p.Pro23Leu)

Gene: MTMR14 (myotubularin related protein 14; plus strand). Cytogenetic location: 3p25.3.
Variant type: single nucleotide variant.
Coding change: c.68C>T on transcript NM_001077525.3 (MANE Select); coding-DNA position 68, C replaced by T.
Protein change: p.Pro23Leu; replaces proline 23 with leucine.
Molecular consequence: missense variant. On other transcripts: 5 prime UTR variant (23), non-coding transcript variant (9).
Genome position (GRCh38, 1-based): chr3:9,649,651, C>T. VCF-style: chr3-9649651-C-T. GRCh37 (hg19) VCF-style: chr3-9691335-C-T.
Other names: c.68C>T, p.Pro23Leu (NM_001077526.3, NM_001400519.1, NM_001400520.1 and 9 more transcripts); c.-66C>T (NM_001400518.1, NM_001400521.1, NM_001400525.1 and 4 more transcripts); c.-438C>T (NM_001400533.1, NM_001400539.1, NM_001400545.1); c.-499C>T (NM_001400534.1, NM_001400538.1, NM_001400541.1 and 2 more transcripts); c.-289C>T (NM_001400535.1); c.-466C>T (NM_001400540.1); c.-701C>T (NM_001400542.1); c.-260C>T (NM_001400543.1); and 4 more; short protein forms P23L.
Identifiers: ClinVar variation 4753415 (VCV004753415.1).